The following is an entry in ClinVar:

ClinVar aggregate classification (germline): Benign. Review status: criteria provided, multiple submitters, no conflicts (2 of 4 stars). 3 submissions from 2 submitters: Benign (3). Last evaluated 2018-01-13.

Conditions:
Van der Woude syndrome 1. Also called: CLEFT LIP AND/OR PALATE WITH MUCOUS CYSTS OF LOWER LIP; van der Woude Syndrome (VWS). Identifiers: MedGen C4551864, MONDO:0007333, OMIM 119300.
Orofacial cleft 6, susceptibility to (OFC6). Also called: CLEFT LIP WITH OR WITHOUT CLEFT PALATE, NONSYNDROMIC, 6. Identifiers: MedGen C1837213, MONDO:0012141, OMIM 608864.

Allele frequency attached by ClinVar (database versions not stated): 1000 Genomes Project 30x 0.30309; 1000 Genomes Project 0.30431; gnomAD exomes 0.34810; TOPMed 0.34911; gnomAD 0.36152 and 0.36277.
gnomAD v4.1: 55,156 of 152,048 alleles (36%); highest among the groups gnomAD compares: Middle Eastern, 44%; 10,697 homozygotes.

Submissions (3):

Illumina Laboratory Services, Illumina
Classification: Benign for Van der Woude syndrome 1. Last evaluated: 2018-01-13. Review status: criteria provided, single submitter. Criteria: ICSL Variant Classification Criteria 13 December 2019. Collection method: clinical testing. Allele origin: germline.
Comment: This variant was observed in the ICSL laboratory as part of a predisposition screen in an ostensibly healthy population. It had not been previously curated by ICSL or reported in the Human Gene Mutation Database (HGMD: prior to June 1st, 2018), and was therefore a candidate for classification through an automated scoring system. Utilizing variant allele frequency, disease prevalence and penetrance estimates, and inheritance mode, an automated score was calculated to assess if this variant is too frequent to cause the disease. Based on the score and internal cut-off values, a variant classified as benign is not then subjected to further curation. The score for this variant resulted in a classification of benign for this disease.

Illumina Laboratory Services, Illumina
Classification: Benign for Orofacial cleft 6, susceptibility to. Last evaluated: 2018-01-13. Review status: criteria provided, single submitter. Criteria: ICSL Variant Classification Criteria 13 December 2019. Collection method: clinical testing. Allele origin: germline.
Comment: the same text as in the submission from Illumina Laboratory Services, Illumina above.

Breakthrough Genomics
Classification: Benign. Review status: criteria provided, single submitter. Criteria: ACMG Guidelines, 2015. Collection method: not provided. Allele origin: germline. Inheritance: Autosomal dominant inheritance. Affected: yes.

NM_006147.4(IRF6):c.*843T>G

Gene: IRF6 (interferon regulatory factor 6; minus strand). Cytogenetic location: 1q32.2.
Variant type: single nucleotide variant.
Coding change: c.*843T>G on transcript NM_006147.4 (MANE Select); 843 bases downstream of the stop codon, T replaced by G.
Molecular consequence: 3 prime UTR variant.
Genome position (GRCh38, 1-based): chr1:209,787,577, A>C on the plus strand (T>G on the coding strand, the complement: IRF6 is on the minus strand). VCF-style: chr1-209787577-A-C. GRCh37 (hg19) VCF-style: chr1-209960922-A-C.
Other names: c.*843T>G (NM_001206696.2).
Identifiers: ClinVar variation 295189 (VCV000295189.6), dbSNP rs599021, ClinGen allele CA10609677.